The following is an entry in ClinVar:

ClinVar aggregate classification (germline): Conflicting classifications of pathogenicity. Review status: criteria provided, conflicting classifications (1 of 4 stars). 5 submissions from 5 submitters: Uncertain significance (1); Benign (1); Likely benign (3). Last evaluated 2025-04-18.

Conditions:
APC-Associated Polyposis Disorders.
Hereditary cancer-predisposing syndrome. Also called: Hereditary Cancer Syndrome; Neoplastic Syndromes, Hereditary; Tumor predisposition; Hereditary neoplastic syndrome. Identifiers: Orphanet 140162, MedGen C0027672, MeSH D009386, MONDO:0015356.
Familial adenomatous polyposis 1 (FAP1). Also called: POLYPOSIS, ADENOMATOUS INTESTINAL; FAMILIAL ADENOMATOUS POLYPOSIS 1, ATTENUATED. Identifiers: MedGen C2713442, MONDO:0021056, OMIM 175100. Disease mechanism: loss of function.

Allele frequency attached by ClinVar (database versions not stated): gnomAD exomes below 0.00001.
gnomAD v4.1: 1 of 1,614,038 alleles (0.000062%); highest among the groups gnomAD compares: Non-Finnish European, 0.000085%; no homozygotes.

Submissions (5):

Ambry Genetics
Classification: Likely benign for Hereditary cancer-predisposing syndrome. Last evaluated: 2025-04-18. Review status: criteria provided, single submitter. Criteria: Ambry Variant Classification Scheme 2023. Collection method: clinical testing. Allele origin: germline.

Labcorp Genetics (formerly Invitae), Labcorp
Classification: Likely benign for Familial adenomatous polyposis 1. Last evaluated: 2024-07-16. Review status: criteria provided, single submitter. Criteria: Invitae Variant Classification Sherloc (09022015). Collection method: clinical testing. Allele origin: germline.

Myriad Genetics, Inc.
Classification: Benign for Familial adenomatous polyposis 1. Last evaluated: 2024-03-08. Review status: criteria provided, single submitter. Criteria: Myriad Autosomal Dominant, Autosomal Recessive and X-Linked Classification Criteria (2023). Collection method: clinical testing. Allele origin: unknown.
Comment: This variant is considered benign. This variant is a silent/synonymous amino acid change and it is not expected to impact splicing.

Illumina Laboratory Services, Illumina
Classification: Uncertain significance for APC-Associated Polyposis Disorders. Last evaluated: 2018-01-13. Review status: criteria provided, single submitter. Criteria: ICSL Variant Classification Criteria 13 December 2019. Collection method: clinical testing. Allele origin: germline.

Color Diagnostics, LLC DBA Color Health
Classification: Likely benign for Hereditary cancer-predisposing syndrome. Last evaluated: 2017-08-10. Review status: criteria provided, single submitter. Criteria: ACMG Guidelines, 2015. Collection method: clinical testing. Allele origin: germline.

NM_000038.6(APC):c.2223T>C (p.Asn741=)

Gene: APC (APC regulator of Wnt signaling pathway; plus strand). Cytogenetic location: 5q22.2.
Variant type: single nucleotide variant.
Coding change: c.2223T>C on transcript NM_000038.6 (MANE Select); coding-DNA position 2223, T replaced by C.
Protein change: p.Asn741=; no amino-acid change (asparagine 741 retained).
Molecular consequence: synonymous variant.
Genome position (GRCh38, 1-based): chr5:112,837,817, T>C. VCF-style: chr5-112837817-T-C. GRCh37 (hg19) VCF-style: chr5-112173514-T-C.
Other names: c.2223T>C, p.Asn741= (NM_001127510.3, NM_001354895.2); c.2169T>C, p.Asn723= (NM_001127511.3); c.2277T>C, p.Asn759= (NM_001354896.2); c.2253T>C, p.Asn751= (NM_001354897.2); c.2148T>C, p.Asn716= (NM_001354898.2); c.2139T>C, p.Asn713= (NM_001354899.2); c.2100T>C, p.Asn700= (NM_001354900.2); c.2046T>C, p.Asn682= (NM_001354901.2); and 5 more.
Identifiers: ClinVar variation 490240 (VCV000490240.21), dbSNP rs1554084025, ClinGen allele CA445963255.